The following is an entry in ClinVar:

NM_007294.4(BRCA1):c.-97C>A

Genes: BRCA1 (BRCA1 DNA repair associated; minus strand), LOC111589215 (BRCA1 promoter region; plus strand). Cytogenetic location: 17q21.31.
Variant type: single nucleotide variant.
Coding change: c.-97C>A on transcript NM_007294.4 (MANE Select); 97 bases upstream of the start codon, C replaced by A.
Molecular consequence: 5 prime UTR variant. On other transcripts: intron variant (1).
Genome position (GRCh38, 1-based): chr17:43,125,348, G>T on the plus strand (C>A on the coding strand, the complement: BRCA1 is on the minus strand). VCF-style: chr17-43125348-G-T. GRCh37 (hg19) VCF-style: chr17-41277365-G-T.
Other names: c.-374C>A (NM_001407571.1, NM_001407879.1, NM_001407907.1 and 4 more transcripts); c.-97C>A (NM_001407581.1, NM_001407590.1, NM_001407611.1 and 45 more transcripts); c.-186C>A (NM_001407582.1, NM_001407597.1, NM_001407612.1 and 20 more transcripts); c.-631C>A (NM_001407583.1, NM_001407591.1, NM_001407594.1 and 32 more transcripts); c.-84C>A (NM_001407585.1, NM_001407602.1, NM_001407622.1 and 8 more transcripts); c.-91C>A (NM_001407587.1, NM_001407598.1, NM_001407614.1 and 50 more transcripts); c.-1252C>A (NM_001407593.1, NM_001407610.1, NM_001407621.1 and 6 more transcripts); c.-263C>A (NM_001407596.1, NM_001407973.1); and 55 more.
Identifiers: ClinVar variation 4983798 (VCV004983798.1).

ClinVar aggregate classification (germline): Likely benign (1 of 4 stars; one submission).

Conditions:
BRCA1-related disorder. Also called: BRCA1-related condition.

gnomAD v4.1: 5 of 433,562 alleles (0.0012%); highest among the groups gnomAD compares: African/African-American, 0.0081%; no homozygotes.

Submission:

PreventionGenetics, part of Exact Sciences
Classification: Likely benign for BRCA1-related condition. Last evaluated: 2026-04-19. Review status: criteria provided, single submitter. Criteria: ACMG Guidelines, 2015. Collection method: clinical testing. Allele origin: germline.
Comment: This variant is classified as likely benign based on ACMG/AMP sequence variant interpretation guidelines (Richards et al. 2015 PMID: 25741868, with internal and published modifications).